The following is an entry in ClinVar:

NM_000292.3(PHKA2):c.3230T>C (p.Ile1077Thr)

Gene: PHKA2 (phosphorylase kinase regulatory subunit alpha 2; minus strand). Cytogenetic location: Xp22.13.
Variant type: single nucleotide variant.
Coding change: c.3230T>C on transcript NM_000292.3 (MANE Select); coding-DNA position 3230, T replaced by C.
Protein change: p.Ile1077Thr; replaces isoleucine 1077 with threonine.
Molecular consequence: missense variant.
Genome position (GRCh38, 1-based): chrX:18,897,215, A>G on the plus strand (T>C on the coding strand, the complement: PHKA2 is on the minus strand). VCF-style: chrX-18897215-A-G. GRCh37 (hg19) VCF-style: chrX-18915333-A-G.
Other names: c.3176T>C, p.Ile1059Thr (NM_001440800.1); c.3146T>C, p.Ile1049Thr (NM_001440801.1); c.3131T>C, p.Ile1044Thr (NM_001440802.1); c.3077T>C, p.Ile1026Thr (NM_001440803.1); c.3047T>C, p.Ile1016Thr (NM_001440804.1); c.3254T>C, p.Ile1085Thr (NM_001440805.1); short protein forms I1026T, I1059T, I1077T, I1085T, I1016T, I1044T, I1049T.
Identifiers: ClinVar variation 4762395 (VCV004762395.1).

ClinVar aggregate classification (germline): Uncertain significance (1 of 4 stars; one submission).

Conditions:
Glycogen storage disease IXa1. Also called: LIVER GLYCOGENOSIS, X-LINKED, TYPE I; GLYCOGEN STORAGE DISEASE VIII; GSD VIII; Glycogen storage disease 8. Identifiers: Orphanet 264580, MedGen C3694531, MONDO:0010598, OMIM 306000.

gnomAD v4.1: 1 of 1,211,114 alleles (0.000083%); highest among the groups gnomAD compares: Non-Finnish European, 0.00011%; no homozygotes.

Submission:

Labcorp Genetics (formerly Invitae), Labcorp
Classification: Uncertain significance for Glycogen storage disease IXa1. Last evaluated: 2025-10-06. Review status: criteria provided, single submitter. Criteria: Invitae Variant Classification Sherloc (09022015). Collection method: clinical testing. Allele origin: germline.
Comment: This sequence change replaces isoleucine, which is neutral and non-polar, with threonine, which is neutral and polar, at codon 1077 of the PHKA2 protein (p.Ile1077Thr). This variant is not present in population databases (gnomAD no frequency). This variant has not been reported in the literature in individuals affected with PHKA2-related conditions. Invitae Evidence Modeling of protein sequence and biophysical properties (such as structural, functional, and spatial information, amino acid conservation, physicochemical variation, residue mobility, and thermodynamic stability) has been performed for this missense variant. However, the output from this modeling did not meet the statistical confidence thresholds required to predict the impact of this variant on PHKA2 protein function. In summary, the available evidence is currently insufficient to determine the role of this variant in disease. Therefore, it has been classified as a Variant of Uncertain Significance.